The following is an entry in ClinVar:

NM_001367823.1(ARHGEF18):c.2125A>G (p.Thr709Ala)

Gene: ARHGEF18 (Rho/Rac guanine nucleotide exchange factor 18; plus strand). Cytogenetic location: 19p13.2.
Variant type: single nucleotide variant.
Coding change: c.2125A>G on transcript NM_001367823.1 (MANE Select); coding-DNA position 2125, A replaced by G.
Protein change: p.Thr709Ala; replaces threonine 709 with alanine.
Molecular consequence: missense variant.
Genome position (GRCh38, 1-based): chr19:7,456,347, A>G. VCF-style: chr19-7456347-A-G. GRCh37 (hg19) VCF-style: chr19-7521233-A-G.
Other names: c.1399A>G, p.Thr467Ala (NM_001130955.2); c.1087A>G, p.Thr363Ala (NM_001367824.1, NM_015318.4); short protein forms T363A, T467A, T709A.
Identifiers: ClinVar variation 1054758 (VCV001054758.6), dbSNP rs781143337, ClinGen allele CA9136723.
Genomic context (GRCh38, chr19:7,456,347, plus strand): 5'-TGGGACTTTTAAGATGCATCCTTCCATGCTGTTTTCCCAGATATCCTGGCTATCCTGCTG[A>G]CCGACGTACTTTTGCTGCTACAAGAAAAAGATCAGAAATACGTCTTTGCTTCTGTGGTAT-3'
Protein context (NP_001354752.1, residues 699-719): RLKDILAILL[Thr709Ala]DVLLLLQEKD

ClinVar aggregate classification (germline): Uncertain significance. Review status: criteria provided, multiple submitters, no conflicts (2 of 4 stars). 2 submissions from 2 submitters: Uncertain significance (2). Last evaluated 2024-03-15.

Allele frequency attached by ClinVar (database versions not stated): ExAC 0.00002; gnomAD exomes 0.00003.
gnomAD v4.1: 18 of 1,614,146 alleles (0.0011%); highest among the groups gnomAD compares: Middle Eastern, 0.26%; no homozygotes.

Submissions (2):

Blueprint Genetics
Classification: Uncertain significance. Last evaluated: 2024-03-15. Review status: criteria provided, single submitter. Criteria: ACMG Guidelines, 2015. Collection method: clinical testing. Allele origin: germline.

Labcorp Genetics (formerly Invitae), Labcorp
Classification: Uncertain significance. Last evaluated: 2022-11-01. Review status: criteria provided, single submitter. Criteria: Invitae Variant Classification Sherloc (09022015). Collection method: clinical testing. Allele origin: germline.
Comment: This sequence change replaces threonine, which is neutral and polar, with alanine, which is neutral and non-polar, at codon 521 of the ARHGEF18 protein (p.Thr521Ala). This variant is present in population databases (rs781143337, gnomAD 0.003%). This variant has not been reported in the literature in individuals affected with ARHGEF18-related conditions. ClinVar contains an entry for this variant (Variation ID: 1054758). Algorithms developed to predict the effect of missense changes on protein structure and function are either unavailable or do not agree on the potential impact of this missense change (SIFT: "Deleterious"; PolyPhen-2: "Benign"; Align-GVGD: "Class C0"). In summary, the available evidence is currently insufficient to determine the role of this variant in disease. Therefore, it has been classified as a Variant of Uncertain Significance.